The following is an entry in ClinVar:

NM_080424.4(SP110):c.740G>A (p.Gly247Asp)

Genes: SP110 (SP110 nuclear body protein; minus strand), SP140 (SP140 nuclear body protein; plus strand). Cytogenetic location: 2q37.1.
Variant type: single nucleotide variant.
Coding change: c.740G>A on transcript NM_080424.4 (MANE Select); coding-DNA position 740, G replaced by A.
Protein change: p.Gly247Asp; replaces glycine 247 with aspartic acid.
Molecular consequence: missense variant.
Genome position (GRCh38, 1-based): chr2:230,211,481, C>T on the plus strand (G>A on the coding strand, the complement: SP110 is on the minus strand). VCF-style: chr2-230211481-C-T. GRCh37 (hg19) VCF-style: chr2-231076196-C-T.
Other names: c.758G>A, p.Gly253Asp (NM_001185015.2, NM_001378442.1, NM_001378444.1 and 2 more transcripts); c.740G>A, p.Gly247Asp (NM_001378443.1, NM_001378447.1, NM_004509.5 and 1 more transcripts); short protein forms G253D, G247D.
Identifiers: ClinVar variation 1461102 (VCV001461102.7), dbSNP rs900156609, ClinGen allele CA66760734.
Genomic context (GRCh38, chr2:230,211,481, plus strand): 5'-TAAACACAGAAACAAAGGCAAGCTTTTAGGTTGACCAAACCAAGATTACCTGGCATAGAG[C>T]CCAAGGGAGAGTGGGGCATCTCTTGAGGGTCTTCTTTATCTCTTATTTGGGGGATCAGGT-3'
Protein context (NP_536349.3, residues 237-257): DPQEMPHSPL[Gly247Asp]SMPEIRDNSP

ClinVar aggregate classification (germline): Uncertain significance (1 of 4 stars; one submission).

Conditions:
Hepatic veno-occlusive disease-immunodeficiency syndrome. Also called: Hepatic Veno-Occlusive Disease with Immunodeficiency. Identifiers: Orphanet 79124, MedGen C1856128, MONDO:0009338, OMIM 235550. Disease mechanism: loss of function.

Allele frequency attached by ClinVar (database versions not stated): gnomAD 0.00001.

Submission:

Labcorp Genetics (formerly Invitae), Labcorp
Classification: Uncertain significance for Hepatic veno-occlusive disease-immunodeficiency syndrome. Last evaluated: 2022-07-06. Review status: criteria provided, single submitter. Criteria: Invitae Variant Classification Sherloc (09022015). Collection method: clinical testing. Allele origin: germline.
Comment: This variant has not been reported in the literature in individuals affected with SP110-related conditions. In summary, the available evidence is currently insufficient to determine the role of this variant in disease. Therefore, it has been classified as a Variant of Uncertain Significance. Algorithms developed to predict the effect of missense changes on protein structure and function output the following: SIFT: "Tolerated"; PolyPhen-2: "Probably Damaging"; Align-GVGD: "Class C0". The aspartic acid amino acid residue is found in multiple mammalian species, which suggests that this missense change does not adversely affect protein function. ClinVar contains an entry for this variant (Variation ID: 1461102). This variant is not present in population databases (gnomAD no frequency). This sequence change replaces glycine, which is neutral and non-polar, with aspartic acid, which is acidic and polar, at codon 247 of the SP110 protein (p.Gly247Asp).